The following is an entry in ClinVar:

NM_001267550.2(TTN):c.46843dup (p.Thr15615fs)

Genes: TTN-AS1 (TTN antisense RNA 1; plus strand), TTN (titin; minus strand). Cytogenetic location: 2q31.2.
Variant type: Duplication.
Coding change: c.46843dup on transcript NM_001267550.2 (MANE Select); coding-DNA position 46843, one base duplicated (A; older notation c.46843dupA).
Protein change: p.Thr15615fs; shifts the reading frame from threonine 15615.
Molecular consequence: frameshift variant.
Genome position (GRCh38, 1-based): chr2:178,618,707, T duplicated on the plus strand (A on the coding strand, the reverse complement: TTN is on the minus strand). VCF-style (leftmost placement, unchanged base first): chr2-178618706-G-GT. GRCh37 (hg19) VCF-style: chr2-179483433-G-GT.
Other names: c.46843dupA (NM_001267550.2); c.41920dup, p.Thr13974fs (NM_001256850.1); c.19648dup, p.Thr6550fs (NM_003319.4); c.39139dup, p.Thr13047fs (NM_133378.4); c.20023dup, p.Thr6675fs (NM_133432.3); c.20224dup, p.Thr6742fs (NM_133437.4); short protein forms T6742fs, T13974fs, T6550fs, T6675fs, T13047fs, T15615fs.
Identifiers: ClinVar variation 467183 (VCV000467183.9), dbSNP rs1553712292, ClinGen allele CA658657157.

ClinVar aggregate classification (germline): Likely pathogenic (1 of 4 stars; one submission).

Conditions:
Autosomal recessive limb-girdle muscular dystrophy type 2J (LGMDR10). Also called: Limb-girdle muscular dystrophy, type 2J; MUSCULAR DYSTROPHY, LIMB-GIRDLE, AUTOSOMAL RECESSIVE 10. Identifiers: Orphanet 140922, MedGen C1837342, MONDO:0012127, OMIM 608807.
Dilated cardiomyopathy 1G (CMD1G). Identifiers: Orphanet 154, MedGen C1858763, MONDO:0011400, OMIM 604145.

Submission:

Labcorp Genetics (formerly Invitae), Labcorp
Classification: Likely pathogenic for Dilated cardiomyopathy 1G; Autosomal recessive limb-girdle muscular dystrophy type 2J. Last evaluated: 2017-08-28. Review status: criteria provided, single submitter. Criteria: Invitae Variant Classification Sherloc (09022015). Collection method: clinical testing. Allele origin: germline.
Comment: This variant identified in the TTN gene is located in the I band of the resulting protein (PMID: 25589632). In summary, this truncating variant is found in the I-band of the TTN protein, where truncating variants have been shown to be highly prevalent in the general population and unaffected individuals (PMID: 26701604, 22335739, 25589632). However, truncating variants in the I-band have also been reported in individuals affected with autosomal recessive centronuclear myopathy (PMID: 23975875). For these reasons it has been classified as Likely Pathogenic. This variant has been reported to be de novo in an individual affected with a TTN-related disease (Invitae). This variant is not present in population databases (ExAC no frequency). This sequence change inserts 1 nucleotide in exon 251 of the TTN mRNA (c.46843dupA), causing a frameshift at codon 15615. This creates a premature translational stop signal (p.Thr15615Asnfs*4) and is expected to result in a disrupted protein product.

Literature cited by the submitters: PubMed 25589632; PubMed 26701604; PubMed 22335739; PubMed 23975875.